The following is an entry in ClinVar:

ClinVar aggregate classification (germline): Benign/Likely benign. Review status: criteria provided, multiple submitters, no conflicts (2 of 4 stars). 3 submissions from 3 submitters: Benign (2); Likely benign (1). Last evaluated 2025-12-24.

Conditions:
Hyperuricemia, pulmonary hypertension, renal failure, alkalosis syndrome (HUPRAS). Also called: HYPERURICEMIA, PULMONARY HYPERTENSION, RENAL FAILURE, AND ALKALOSIS SYNDROME; HUPRA SYNDROME. Identifiers: Orphanet 363694, MedGen C3151209, MONDO:0013458, OMIM 613845.

Allele frequency attached by ClinVar (database versions not stated): gnomAD exomes 0.00036 and 0.00096; ExAC 0.00124; 1000 Genomes Project 0.00240; 1000 Genomes Project 30x 0.00281; gnomAD 0.00375 and 0.00412; TOPMed 0.00436; ESP Exome Variant Server 0.00454.
gnomAD v4.1: 1,101 of 1,613,964 alleles (0.068%); highest among the groups gnomAD compares: African/African-American, 1.4%; 7 homozygotes.

Submissions (3):

Labcorp Genetics (formerly Invitae), Labcorp
Classification: Benign. Last evaluated: 2025-12-24. Review status: criteria provided, single submitter. Criteria: Invitae Variant Classification Sherloc (09022015). Collection method: clinical testing. Allele origin: germline.

Fulgent Genetics
Classification: Likely benign for Hyperuricemia, pulmonary hypertension, renal failure, alkalosis syndrome. Last evaluated: 2021-08-10. Review status: criteria provided, single submitter. Criteria: ACMG Guidelines, 2015. Collection method: clinical testing. Allele origin: unknown.

GeneDx
Classification: Benign. Last evaluated: 2015-09-16. Review status: criteria provided, single submitter. Criteria: GeneDx Variant Classification (06012015). Collection method: clinical testing. Allele origin: germline. Affected: yes.
Comment: This variant is considered likely benign or benign based on one or more of the following criteria: it is a conservative change, it occurs at a poorly conserved position in the protein, it is predicted to be benign by multiple in silico algorithms, and/or has population frequency not consistent with disease.

NM_017827.4(SARS2):c.364-14C>T

Gene: SARS2 (seryl-tRNA synthetase 2, mitochondrial; minus strand). Cytogenetic location: 19q13.2.
Variant type: single nucleotide variant.
Coding change: c.364-14C>T on transcript NM_017827.4 (MANE Select); 14 bases into the intron before coding-DNA position 364, C replaced by T.
Molecular consequence: intron variant.
Genome position (GRCh38, 1-based): chr19:38,922,281, G>A on the plus strand (C>T on the coding strand, the complement: SARS2 is on the minus strand). VCF-style: chr19-38922281-G-A. GRCh37 (hg19) VCF-style: chr19-39412921-G-A.
Other names: c.364-14C>T (NM_001145901.2).
Identifiers: ClinVar variation 378496 (VCV000378496.10), dbSNP rs150151686, ClinGen allele CA9423242.